The following is an entry in ClinVar:

ClinVar aggregate classification (germline): Likely benign (1 of 4 stars; one submission).

Allele frequency attached by ClinVar (database versions not stated): 1000 Genomes Project 30x 0.00016; 1000 Genomes Project 0.00020.
gnomAD v4.1: 7 of 1,590,848 alleles (0.00044%); highest among the groups gnomAD compares: East Asian, 0.0091%; no homozygotes.

Submission:

GeneDx
Classification: Likely benign. Last evaluated: 2016-10-19. Review status: criteria provided, single submitter. Criteria: GeneDx Variant Classification (06012015). Collection method: clinical testing. Allele origin: germline. Affected: yes.
Comment: This variant is considered likely benign or benign based on one or more of the following criteria: it is a conservative change, it occurs at a poorly conserved position in the protein, it is predicted to be benign by multiple in silico algorithms, and/or has population frequency not consistent with disease.

NM_016097.5(IER3IP1):c.-19G>C

Genes: IER3IP1 (immediate early response 3 interacting protein 1; minus strand), LOC130062441 (ATAC-STARR-seq lymphoblastoid active region 13285; plus strand). Cytogenetic location: 18q21.1.
Variant type: single nucleotide variant.
Coding change: c.-19G>C on transcript NM_016097.5 (MANE Select); 19 bases upstream of the start codon, G replaced by C.
Molecular consequence: 5 prime UTR variant.
Genome position (GRCh38, 1-based): chr18:47,176,296, C>G on the plus strand (G>C on the coding strand, the complement: IER3IP1 is on the minus strand). VCF-style: chr18-47176296-C-G. GRCh37 (hg19) VCF-style: chr18-44702667-C-G.
Identifiers: ClinVar variation 390110 (VCV000390110.1), dbSNP rs548701628, ClinGen allele CA16608751.